The following is an entry in ClinVar:

NM_032119.4(ADGRV1):c.12304A>C (p.Ile4102Leu)

Gene: ADGRV1 (adhesion G protein-coupled receptor V1; plus strand). Cytogenetic location: 5q14.3.
Variant type: single nucleotide variant.
Coding change: c.12304A>C on transcript NM_032119.4 (MANE Select); coding-DNA position 12304, A replaced by C.
Protein change: p.Ile4102Leu; replaces isoleucine 4102 with leucine.
Molecular consequence: missense variant. On other transcripts: non-coding transcript variant (1).
Genome position (GRCh38, 1-based): chr5:90,774,204, A>C. VCF-style: chr5-90774204-A-C. GRCh37 (hg19) VCF-style: chr5-90070021-A-C.
Other names: short protein forms I4102L.
Identifiers: ClinVar variation 1716880 (VCV001716880.5), dbSNP rs530625257, ClinGen allele CA360383436.

ClinVar aggregate classification (germline): Uncertain significance (1 of 4 stars; one submission).

Submission:

Labcorp Genetics (formerly Invitae), Labcorp
Classification: Uncertain significance. Last evaluated: 2023-12-07. Review status: criteria provided, single submitter. Criteria: Invitae Variant Classification Sherloc (09022015). Collection method: clinical testing. Allele origin: germline.
Comment: This sequence change replaces isoleucine, which is neutral and non-polar, with leucine, which is neutral and non-polar, at codon 4102 of the ADGRV1 protein (p.Ile4102Leu). This variant is not present in population databases (gnomAD no frequency). This variant has not been reported in the literature in individuals affected with ADGRV1-related conditions. ClinVar contains an entry for this variant (Variation ID: 1716880). Advanced modeling of protein sequence and biophysical properties (such as structural, functional, and spatial information, amino acid conservation, physicochemical variation, residue mobility, and thermodynamic stability) performed at Invitae indicates that this missense variant is not expected to disrupt ADGRV1 protein function with a negative predictive value of 95%. In summary, the available evidence is currently insufficient to determine the role of this variant in disease. Therefore, it has been classified as a Variant of Uncertain Significance.